The following is an entry in ClinVar:

ClinVar aggregate classification (germline): Uncertain significance. Review status: criteria provided, multiple submitters, no conflicts (2 of 4 stars). 2 submissions from 2 submitters: Uncertain significance (2). Last evaluated 2025-10-13.

Conditions:
FG syndrome (FGS). Identifiers: MedGen C0220769, MONDO:0002010.

Allele frequency attached by ClinVar (database versions not stated): gnomAD exomes 0.00001; TOPMed 0.00001.

Submissions (2):

Labcorp Genetics (formerly Invitae), Labcorp
Classification: Uncertain significance for FG syndrome. Last evaluated: 2025-10-13. Review status: criteria provided, single submitter. Criteria: Invitae Variant Classification Sherloc (09022015). Collection method: clinical testing. Allele origin: germline.
Comment: This sequence change replaces valine, which is neutral and non-polar, with isoleucine, which is neutral and non-polar, at codon 756 of the MED12 protein (p.Val756Ile). This variant is not present in population databases (gnomAD no frequency). This missense change has been observed in individual(s) with MED12-related conditions (PMID: 37432431). ClinVar contains an entry for this variant (Variation ID: 1809771). Invitae Evidence Modeling of protein sequence and biophysical properties (such as structural, functional, and spatial information, amino acid conservation, physicochemical variation, residue mobility, and thermodynamic stability) indicates that this missense variant is not expected to disrupt MED12 protein function with a negative predictive value of 95%. In summary, the available evidence is currently insufficient to determine the role of this variant in disease. Therefore, it has been classified as a Variant of Uncertain Significance.

Athena Diagnostics
Classification: Uncertain significance. Last evaluated: 2020-01-21. Review status: criteria provided, single submitter. Criteria: Athena Diagnostics Criteria. Collection method: clinical testing. Allele origin: unknown.
Comment: This observation is not an independent occurrence and has been identified in the same individual by RCIGM, the other laboratory participating in the GEMINI study.

Literature cited by the submitters: PubMed 37432431 (cited by Labcorp Genetics (formerly Invitae), Labcorp).

NM_005120.3(MED12):c.2266G>A (p.Val756Ile)

Gene: MED12 (mediator complex subunit 12; plus strand). Cytogenetic location: Xq13.1.
Variant type: single nucleotide variant.
Coding change: c.2266G>A on transcript NM_005120.3 (MANE Select); coding-DNA position 2266, G replaced by A.
Protein change: p.Val756Ile; replaces valine 756 with isoleucine.
Molecular consequence: missense variant.
Genome position (GRCh38, 1-based): chrX:71,125,390, G>A. VCF-style: chrX-71125390-G-A. GRCh37 (hg19) VCF-style: chrX-70345240-G-A.
Other names: short protein forms V756I.
Identifiers: ClinVar variation 1809771 (VCV001809771.6), dbSNP rs2092300339, ClinGen allele CA413511848.
Genomic context (GRCh38, chrX:71,125,390, plus strand): 5'-GATGGTGCTGCTGGGATGCAGGAGGAGTCATGCAGCCATGAGTGCAACCAGCGGTTGGTC[G>A]TACTGTTTGGGGTGGGAAAGCAGCGAGATGATGCCCGCCATGCCATCAAGAAAATCACCA-3'
Protein context (NP_005111.2, residues 746-766): CSHECNQRLV[Val756Ile]LFGVGKQRDD